The following is an entry in ClinVar:

ClinVar aggregate classification (germline): Pathogenic (0 of 4 stars; one submission).

Conditions:
Alkaptonuria (AKU). Also called: Alkaptonuric ochronosis; Homogentisic acidura; Alcaptonuria; HOMOGENTISIC ACID OXIDASE DEFICIENCY. Identifiers: Orphanet 56, MedGen C0002066, MONDO:0008753, OMIM 203500.

Allele frequency attached by ClinVar (database versions not stated): gnomAD exomes below 0.00001; gnomAD 0.00001; TOPMed 0.00001.
gnomAD v4.1: 5 of 1,562,318 alleles (0.00032%); highest among the groups gnomAD compares: East Asian, 0.0022%; no homozygotes.

Submission:

Department Of Human Genetics, Institute Of Clinical And Translational Research, Biomedical Research Center, Slovak Academy Of Sciences
Classification: Pathogenic for Alkaptonuria. Review status: no assertion criteria provided. Collection method: research. Allele origin: germline. Inheritance: Autosomal recessive inheritance. Affected: yes. Observed: 2 variant alleles.
Comment: The variant was originally described in AKU patient in PMID:19862842. It has been submitted to the HGD gene mutation database (DB-ID: AKU_00018).

Literature cited by the submitters: PubMed 19862842.

NM_000187.4(HGD):c.182T>C (p.Leu61Pro)

Gene: HGD (homogentisate 1,2-dioxygenase; minus strand). Cytogenetic location: 3q13.33.
Variant type: single nucleotide variant.
Coding change: c.182T>C on transcript NM_000187.4 (MANE Select); coding-DNA position 182, T replaced by C.
Protein change: p.Leu61Pro; replaces leucine 61 with proline.
Molecular consequence: missense variant.
Genome position (GRCh38, 1-based): chr3:120,670,527, A>G on the plus strand (T>C on the coding strand, the complement: HGD is on the minus strand). VCF-style: chr3-120670527-A-G. GRCh37 (hg19) VCF-style: chr3-120389374-A-G.
Other names: short protein forms L61P.
Identifiers: ClinVar variation 2626822 (VCV002626822.1), dbSNP rs1324654414, ClinGen allele CA354081589.